The following is an entry in ClinVar:

NM_018006.5(TRMU):c.880dup (p.Arg294fs)

Gene: TRMU (tRNA mitochondrial 2-thiouridylase; plus strand). Cytogenetic location: 22q13.31.
Variant type: Duplication.
Coding change: c.880dup on transcript NM_018006.5 (MANE Select); coding-DNA position 880, one base duplicated (C; older notation c.880dupC).
Protein change: p.Arg294fs; shifts the reading frame from arginine 294.
Molecular consequence: frameshift variant. On other transcripts: non-coding transcript variant (2).
Genome position (GRCh38, 1-based): chr22:46,355,450, C duplicated; the last of 6 consecutive C bases (chr22:46,355,445-46,355,450); duplicating any one gives the same sequence. VCF-style (leftmost placement, unchanged base first): chr22-46355444-G-GC. GRCh37 (hg19) VCF-style: chr22-46751341-G-GC.
Other names: c.*324dup (NM_001008568.2); c.*418dup (NM_001008570.2); c.538dup, p.Arg180fs (NM_001282782.2); c.460dup, p.Arg154fs (NM_001282783.2, NM_001282784.2); c.880dup, p.Arg294fs (NM_001282785.2); c.880dupC (NM_018006.4); short protein forms R154fs, R180fs, R294fs.
Identifiers: ClinVar variation 1908686 (VCV001908686.6), dbSNP rs1490906786, ClinGen allele CA514925798.

ClinVar aggregate classification (germline): Pathogenic/Likely pathogenic. Review status: criteria provided, multiple submitters, no conflicts (2 of 4 stars). 2 submissions from 2 submitters: Pathogenic (1); Likely pathogenic (1). Last evaluated 2025-12-19.

Conditions:
Acute infantile liver failure due to synthesis defect of mtDNA-encoded proteins. Also called: Liver failure acute infantile; LIVER FAILURE, INFANTILE, TRANSIENT; TRMU Deficiency. Identifiers: Orphanet 217371, MedGen C3278664, MONDO:0013111, OMIM 613070.

Submissions (2):

Natera, Inc.
Classification: Likely pathogenic for Acute infantile liver failure due to synthesis defect of mtDNA-encoded proteins. Last evaluated: 2025-12-19. Review status: criteria provided, single submitter. Criteria: Natera Variant Classification Schema (03/2026). Collection method: clinical testing. Allele origin: germline.
Comment: The c.880dupC variant in TRMU is a frameshift variant predicted to shift the reading frame beginning at codon 294 and leads to a stop codon 112 codons downstream. This variant is expected to result in nonsense mediated decay, truncation, or a dysfunctional protein product. This variant is rare in the general population with a frequency below the threshold expected for the associated phenotype(s). Given the available evidence, this variant is classified as Likely Pathogenic.

Labcorp Genetics (formerly Invitae), Labcorp
Classification: Pathogenic. Last evaluated: 2023-10-11. Review status: criteria provided, single submitter. Criteria: Invitae Variant Classification Sherloc (09022015). Collection method: clinical testing. Allele origin: germline.
Comment: This sequence change creates a premature translational stop signal (p.Arg294Profs*112) in the TRMU gene. While this is not anticipated to result in nonsense mediated decay, it is expected to disrupt the last 128 amino acid(s) of the TRMU protein. The frequency data for this variant in the population databases is considered unreliable, as metrics indicate poor data quality at this position in the gnomAD database. This variant has not been reported in the literature in individuals affected with TRMU-related conditions. ClinVar contains an entry for this variant (Variation ID: 1908686). This variant disrupts a region of the TRMU protein in which other variant(s) (c.1102-3C>G) have been determined to be pathogenic (PMID: 21931168). This suggests that this is a clinically significant region of the protein, and that variants that disrupt it are likely to be disease-causing. For these reasons, this variant has been classified as Pathogenic.

Literature cited by the submitters: PubMed 21931168 (cited by Labcorp Genetics (formerly Invitae), Labcorp).